The following is an entry in ClinVar:

ClinVar aggregate classification (germline): Uncertain significance. Review status: criteria provided, multiple submitters, no conflicts (2 of 4 stars). 2 submissions from 2 submitters: Uncertain significance (2). Last evaluated 2025-11-06.

Conditions:
Emery-Dreifuss muscular dystrophy 5, autosomal dominant (EDMD5). Also called: EMERY-DREIFUSS MUSCULAR DYSTROPHY 5. Identifiers: Orphanet 261, MedGen C2751805, MONDO:0013072, OMIM 612999.

Allele frequency attached by ClinVar (database versions not stated): gnomAD exomes below 0.00001; TOPMed below 0.00001.

Submissions (2):

Ambry Genetics
Classification: Uncertain significance. Last evaluated: 2025-11-06. Review status: criteria provided, single submitter. Criteria: Ambry Variant Classification Scheme 2023. Collection method: clinical testing. Allele origin: germline.

Labcorp Genetics (formerly Invitae), Labcorp
Classification: Uncertain significance for Emery-Dreifuss muscular dystrophy 5, autosomal dominant. Last evaluated: 2021-07-12. Review status: criteria provided, single submitter. Criteria: Invitae Variant Classification Sherloc (09022015). Collection method: clinical testing. Allele origin: germline.
Comment: This sequence change replaces alanine with aspartic acid at codon 3456 of the SYNE2 protein (p.Ala3456Asp). The alanine residue is weakly conserved and there is a moderate physicochemical difference between alanine and aspartic acid. This variant is not present in population databases (ExAC no frequency). This variant has not been reported in the literature in individuals affected with SYNE2-related conditions. Algorithms developed to predict the effect of missense changes on protein structure and function output the following: SIFT: "Tolerated"; PolyPhen-2: "Probably Damaging"; Align-GVGD: "Class C0". The aspartic acid amino acid residue is found in multiple mammalian species, which suggests that this missense change does not adversely affect protein function. In summary, the available evidence is currently insufficient to determine the role of this variant in disease. Therefore, it has been classified as a Variant of Uncertain Significance.

NM_182914.3(SYNE2):c.10367C>A (p.Ala3456Asp)

Gene: SYNE2 (spectrin repeat containing nuclear envelope protein 2; plus strand). Cytogenetic location: 14q23.2.
Variant type: single nucleotide variant.
Coding change: c.10367C>A on transcript NM_182914.3 (MANE Select); coding-DNA position 10367, C replaced by A.
Protein change: p.Ala3456Asp; replaces alanine 3456 with aspartic acid.
Molecular consequence: missense variant.
Genome position (GRCh38, 1-based): chr14:64,065,586, C>A. VCF-style: chr14-64065586-C-A. GRCh37 (hg19) VCF-style: chr14-64532304-C-A.
Other names: c.10367C>A, p.Ala3456Asp (NM_015180.6); c.10367C>A (NM_182914.2); short protein forms A3456D.
Identifiers: ClinVar variation 1398234 (VCV001398234.9), dbSNP rs1423700005, ClinGen allele CA389991552.